The following is an entry in ClinVar:

ClinVar aggregate classification (germline): Benign. Review status: criteria provided, multiple submitters, no conflicts (2 of 4 stars). 2 submissions from 2 submitters: Benign (2). Last evaluated 2018-01-13.

Conditions:
Mucopolysaccharidosis, MPS-III-C (MPS3C). Also called: MUCOPOLYSACCHARIDOSIS, TYPE IIIC; Mucopolysaccharidosis type IIIC (Sanfilippo C); MPS IIIC (Sanfilippo Syndrome Type C); SANFILIPPO SYNDROME C; mucopolysaccharidosis type 3C; MPS III C. Identifiers: Orphanet 581, Orphanet 79271, MedGen C0086649, MONDO:0009657, OMIM 252930.

Allele frequency attached by ClinVar (database versions not stated): 1000 Genomes Project 30x 0.03139; 1000 Genomes Project 0.03155; gnomAD 0.04517 and 0.04548; gnomAD exomes 0.05365; TOPMed 0.04007.
gnomAD v4.1: 7,008 of 152,736 alleles (4.6%); highest among the groups gnomAD compares: South Asian, 7.8%; 210 homozygotes.

Submissions (2):

Illumina Laboratory Services, Illumina
Classification: Benign for Mucopolysaccharidosis, MPS-III-C. Last evaluated: 2018-01-13. Review status: criteria provided, single submitter. Criteria: ICSL Variant Classification Criteria 13 December 2019. Collection method: clinical testing. Allele origin: germline.
Comment: This variant was observed in the ICSL laboratory as part of a predisposition screen in an ostensibly healthy population. It had not been previously curated by ICSL or reported in the Human Gene Mutation Database (HGMD: prior to June 1st, 2018), and was therefore a candidate for classification through an automated scoring system. Utilizing variant allele frequency, disease prevalence and penetrance estimates, and inheritance mode, an automated score was calculated to assess if this variant is too frequent to cause the disease. Based on the score and internal cut-off values, a variant classified as benign is not then subjected to further curation. The score for this variant resulted in a classification of benign for this disease.

Breakthrough Genomics
Classification: Benign. Review status: criteria provided, single submitter. Criteria: ACMG Guidelines, 2015. Collection method: not provided. Allele origin: germline. Inheritance: Autosomal recessive inheritance. Affected: yes.

NM_152419.3(HGSNAT):c.*1780C>T

Gene: HGSNAT (heparan-alpha-glucosaminide N-acetyltransferase; plus strand). Cytogenetic location: 8p11.1.
Variant type: single nucleotide variant.
Coding change: c.*1780C>T on transcript NM_152419.3 (MANE Select); 1780 bases downstream of the stop codon, C replaced by T.
Molecular consequence: 3 prime UTR variant.
Genome position (GRCh38, 1-based): chr8:43,201,349, C>T. VCF-style: chr8-43201349-C-T. GRCh37 (hg19) VCF-style: chr8-43056492-C-T.
Other names: c.*1780C>T (NM_001363227.2, NM_001363228.2, NM_001363229.2).
Identifiers: ClinVar variation 363173 (VCV000363173.6), dbSNP rs1058608, ClinGen allele CA10627936.